The following is an entry in ClinVar:

NM_002294.3(LAMP2):c.851_852del (p.Phe284fs)

Gene: LAMP2 (lysosome associated membrane protein 2; minus strand). Cytogenetic location: Xq24.
Variant type: Deletion.
Coding change: c.851_852del on transcript NM_002294.3 (MANE Select); coding-DNA positions 851 to 852, 2 bases deleted (TT; older notation c.851_852delTT).
Protein change: p.Phe284fs; shifts the reading frame from phenylalanine 284.
Molecular consequence: frameshift variant.
Genome position (GRCh38, 1-based): chrX:120,446,317-120,446,318, AA deleted on the plus strand (TT on the coding strand, the reverse complement: LAMP2 is on the minus strand); deleting any 2 consecutive bases within chrX:120,446,317-120,446,319 gives the same sequence; the c. name uses the placement nearest the transcript's 3' end. VCF-style (leftmost placement, unchanged base first): chrX-120446316-CAA-C. GRCh37 (hg19) VCF-style: chrX-119580171-CAA-C.
Other names: c.851_852delTT (NM_002294.2); c.851_852del, p.Phe284fs (NM_001122606.1, NM_013995.2); short protein forms F284fs.
Identifiers: ClinVar variation 179126 (VCV000179126.5), dbSNP rs727504648, ClinGen allele CA183779.

ClinVar aggregate classification (germline): Pathogenic. Review status: criteria provided, multiple submitters, no conflicts (2 of 4 stars). 2 submissions from 2 submitters: Pathogenic (2). Last evaluated 2025-02-26.

Conditions:
Cardiovascular phenotype. Identifiers: MedGen CN230736.
Danon disease. Also called: PSEUDOGLYCOGENOSIS II; Glycogen Storage Disease Type IIb; ANTOPOL DISEASE; GSD IIb; LYSOSOMAL GLYCOGEN STORAGE DISEASE WITHOUT ACID MALTASE DEFICIENCY. Identifiers: Orphanet 34587, MedGen C0878677, MONDO:0010281, OMIM 300257.

Submissions (2):

Ambry Genetics
Classification: Pathogenic for Cardiovascular phenotype. Last evaluated: 2025-02-26. Review status: criteria provided, single submitter. Criteria: Ambry Variant Classification Scheme 2023. Collection method: clinical testing. Allele origin: germline.
Comment: The c.851_852delTT pathogenic mutation, located in coding exon 6 of the LAMP2 gene, results from a deletion of two nucleotides at nucleotide positions 851 to 852, causing a translational frameshift with a predicted alternate stop codon (p.F284Cfs*7). This variant is considered to be rare based on population cohorts in the Genome Aggregation Database (gnomAD). This alteration is expected to result in loss of function by premature protein truncation or nonsense-mediated mRNA decay. As such, this alteration is interpreted as a disease-causing mutation.

Laboratory for Molecular Medicine, Mass General Brigham Personalized Medicine
Classification: Pathogenic for Danon disease. Last evaluated: 2013-11-08. Review status: criteria provided, single submitter. Criteria: LMM Criteria. Collection method: clinical testing. Allele origin: germline. Inheritance: X-linked inheritance. Observed: 1 variant allele.
Comment: The Phe284fs variant in LAMP2 has not been reported in individuals with cardiomy opathy or Danon disease. Data from large population studies is insufficient to a ssess whether this variant is present in the general population. This frameshift variant is predicted to alter the protein?s amino acid sequence beginning at po sition 284 and lead to a premature termination codon 7 amino acids downstream. T his alteration is then predicted to lead to a truncated or absent protein (loss of function; LOF). Heterozygous loss of function of the LAMP2 gene is an establi shed disease mechanism in Danon disease. In summary, this variant meets our crit eria to be classified as pathogenic based on the predicted impact of the variant.